The following is an entry in ClinVar:

NM_001036.6(RYR3):c.12482C>A (p.Thr4161Asn)

Gene: RYR3 (ryanodine receptor 3; plus strand). Cytogenetic location: 15q14.
Variant type: single nucleotide variant.
Coding change: c.12482C>A on transcript NM_001036.6 (MANE Select); coding-DNA position 12482, C replaced by A.
Protein change: p.Thr4161Asn; replaces threonine 4161 with asparagine.
Molecular consequence: missense variant.
Genome position (GRCh38, 1-based): chr15:33,838,462, C>A. VCF-style: chr15-33838462-C-A. GRCh37 (hg19) VCF-style: chr15-34130663-C-A.
Other names: c.12467C>A, p.Thr4156Asn (NM_001243996.4); short protein forms T4156N, T4161N.
Identifiers: ClinVar variation 1042164 (VCV001042164.8), dbSNP rs772124153, ClinGen allele CA7461412.

ClinVar aggregate classification (germline): Uncertain significance (1 of 4 stars; one submission).

Conditions:
Epileptic encephalopathy. Identifiers: MedGen C0543888, HP:0200134.

Allele frequency attached by ClinVar (database versions not stated): TOPMed below 0.00001; ExAC 0.00001; gnomAD 0.00001.
gnomAD v4.1: 8 of 1,613,864 alleles (0.0005%); highest among the groups gnomAD compares: African/African-American, 0.0013%; no homozygotes.

Submission:

Labcorp Genetics (formerly Invitae), Labcorp
Classification: Uncertain significance for Epileptic encephalopathy. Last evaluated: 2020-10-08. Review status: criteria provided, single submitter. Criteria: Invitae Variant Classification Sherloc (09022015). Collection method: clinical testing. Allele origin: germline.
Comment: This sequence change replaces threonine with asparagine at codon 4161 of the RYR3 protein (p.Thr4161Asn). The threonine residue is moderately conserved and there is a small physicochemical difference between threonine and asparagine. This variant is present in population databases (rs772124153, ExAC 0.006%). This variant has not been reported in the literature in individuals with RYR3-related conditions. Algorithms developed to predict the effect of missense changes on protein structure and function are either unavailable or do not agree on the potential impact of this missense change (SIFT: "Deleterious"; PolyPhen-2: "Benign"; Align-GVGD: "Class C0"). In summary, the available evidence is currently insufficient to determine the role of this variant in disease. Therefore, it has been classified as a Variant of Uncertain Significance.